The following is an entry in ClinVar:

ClinVar aggregate classification (germline): Uncertain significance (1 of 4 stars; one submission).

Conditions:
Primary ciliary dyskinesia. Also called: Ciliary dyskinesia. Identifiers: Orphanet 244, MedGen C0008780, MONDO:0016575, HP:0012265.

Submission:

Ambry Genetics
Classification: Uncertain significance for Primary ciliary dyskinesia. Last evaluated: 2026-06-15. Review status: criteria provided, single submitter. Criteria: Ambry Variant Classification Scheme 2023. Collection method: clinical testing. Allele origin: germline.
Comment: The c.1718T>G (p.V573G) alteration is located in exon 12 (coding exon 11) of the DNAI2 gene. This alteration results from a T to G substitution at nucleotide position 1718, causing the valine (V) at amino acid position 573 to be replaced by a glycine (G). Based on data from gnomAD, the G allele has an overall frequency of 0.002% (4/207184) total alleles studied. The highest observed frequency was 0.005% (4/89190) of European (non-Finnish) alleles. Based on insufficient or conflicting evidence, the clinical significance of this alteration remains unclear.

NM_023036.6(DNAI2):c.1718T>G (p.Val573Gly)

Gene: DNAI2 (dynein axonemal intermediate chain 2; plus strand). Cytogenetic location: 17q25.1.
Variant type: single nucleotide variant.
Coding change: c.1718T>G on transcript NM_023036.6 (MANE Select); coding-DNA position 1718, T replaced by G.
Protein change: p.Val573Gly; replaces valine 573 with glycine.
Molecular consequence: missense variant.
Genome position (GRCh38, 1-based): chr17:74,312,226, T>G. VCF-style: chr17-74312226-T-G. GRCh37 (hg19) VCF-style: chr17-72308365-T-G.
Other names: c.1682T>G, p.Val561Gly (NM_001172810.3); c.1718T>G, p.Val573Gly (NM_001353167.2); short protein forms V561G, V573G.
Identifiers: ClinVar variation 5035480 (VCV005035480.1).